The following is an entry in ClinVar:

ClinVar aggregate classification (germline): Benign (0 of 4 stars; one submission).

Conditions:
LGI3-related disorder. Also called: LGI3-related condition.

Allele frequency attached by ClinVar (database versions not stated): 1000 Genomes Project 0.03474; 1000 Genomes Project 30x 0.03592; TOPMed 0.03759; ESP Exome Variant Server 0.03783.
gnomAD v4.1: 12,499 of 1,614,100 alleles (0.77%); highest among the groups gnomAD compares: African/African-American, 11%; 563 homozygotes.

Submission:

PreventionGenetics, part of Exact Sciences
Classification: Benign for LGI3-related condition. Last evaluated: 2019-03-21. Review status: no assertion criteria provided. Collection method: clinical testing. Allele origin: germline.
Comment: This variant is classified as benign based on ACMG/AMP sequence variant interpretation guidelines (Richards et al. 2015 PMID: 25741868, with internal and published modifications).

NM_139278.4(LGI3):c.778C>T (p.Leu260=)

Gene: LGI3 (leucine rich repeat LGI family member 3; minus strand). Cytogenetic location: 8p21.3.
Variant type: single nucleotide variant.
Coding change: c.778C>T on transcript NM_139278.4 (MANE Select); coding-DNA position 778, C replaced by T.
Protein change: p.Leu260=; no amino-acid change (leucine 260 retained).
Molecular consequence: synonymous variant.
Genome position (GRCh38, 1-based): chr8:22,151,540, G>A on the plus strand (C>T on the coding strand, the complement: LGI3 is on the minus strand). VCF-style: chr8-22151540-G-A. GRCh37 (hg19) VCF-style: chr8-22009053-G-A.
Identifiers: ClinVar variation 3037823 (VCV003037823.2), dbSNP rs35142808, ClinGen allele CA4663504.